The following is an entry in ClinVar:

ClinVar aggregate classification (germline): Likely pathogenic (1 of 4 stars; one submission).

Allele frequency attached by ClinVar (database versions not stated): TOPMed below 0.00001; gnomAD 0.00001.
gnomAD v4.1: 1 of 1,599,574 alleles (0.000063%); highest among the groups gnomAD compares: African/African-American, 0.0013%; no homozygotes.

Submission:

Labcorp Genetics (formerly Invitae), Labcorp
Classification: Likely pathogenic. Last evaluated: 2024-11-05. Review status: criteria provided, single submitter. Criteria: Invitae Variant Classification Sherloc (09022015). Collection method: clinical testing. Allele origin: germline.
Comment: This sequence change affects an acceptor splice site in intron 38 of the MYO18B gene. It is expected to disrupt RNA splicing. Variants that disrupt the donor or acceptor splice site typically lead to a loss of protein function (PMID: 16199547), and loss-of-function variants in MYO18B are known to be pathogenic (PMID: 25748484, 32184166, 32637634). This variant is not present in population databases (gnomAD no frequency). This variant has not been reported in the literature in individuals affected with MYO18B-related conditions. ClinVar contains an entry for this variant (Variation ID: 1411322). Algorithms developed to predict the effect of sequence changes on RNA splicing suggest that this variant may disrupt the consensus splice site. In summary, the currently available evidence indicates that the variant is pathogenic, but additional data are needed to prove that conclusively. Therefore, this variant has been classified as Likely Pathogenic.

Literature cited by the submitters: PubMed 16199547; PubMed 25748484; PubMed 32184166; PubMed 32637634.

NM_032608.7(MYO18B):c.5971-2A>G

Gene: MYO18B (myosin XVIIIB; plus strand). Cytogenetic location: 22q12.1.
Variant type: single nucleotide variant.
Coding change: c.5971-2A>G on transcript NM_032608.7 (MANE Select); the canonical splice acceptor site of the intron before coding-DNA position 5971, A replaced by G.
Molecular consequence: splice acceptor variant.
Genome position (GRCh38, 1-based): chr22:25,955,177, A>G. VCF-style: chr22-25955177-A-G. GRCh37 (hg19) VCF-style: chr22-26351143-A-G.
Other names: c.5974-2A>G (NM_001318245.2).
Identifiers: ClinVar variation 1411322 (VCV001411322.6), dbSNP rs2092834877, ClinGen allele CA411008864.